The following is an entry in ClinVar:

ClinVar aggregate classification (germline): Uncertain significance (1 of 4 stars; one submission).

Conditions:
ANKRD17-related disorder. Also called: ANKRD17-related condition.

Submission:

PreventionGenetics, part of Exact Sciences
Classification: Uncertain significance for ANKRD17-related condition. Last evaluated: 2023-09-02. Review status: criteria provided, single submitter. Criteria: ACMG Guidelines, 2015. Collection method: clinical testing. Allele origin: germline.
Comment: The ANKRD17 c.6388C>T variant is predicted to result in the amino acid substitution p.Pro2130Ser. To our knowledge, this variant has not been reported in the literature or in a large population database, indicating this variant is rare. At this time, the clinical significance of this variant is uncertain due to the absence of conclusive functional and genetic evidence.

NM_032217.5(ANKRD17):c.6388C>T (p.Pro2130Ser)

Gene: ANKRD17 (ankyrin repeat domain 17; minus strand). Cytogenetic location: 4q13.3.
Variant type: single nucleotide variant.
Coding change: c.6388C>T on transcript NM_032217.5 (MANE Select); coding-DNA position 6388, C replaced by T.
Protein change: p.Pro2130Ser; replaces proline 2130 with serine.
Molecular consequence: missense variant.
Genome position (GRCh38, 1-based): chr4:73,091,240, G>A on the plus strand (C>T on the coding strand, the complement: ANKRD17 is on the minus strand). VCF-style: chr4-73091240-G-A. GRCh37 (hg19) VCF-style: chr4-73956957-G-A.
Other names: c.6049C>T, p.Pro2017Ser (NM_001286771.3); c.6385C>T, p.Pro2129Ser (NM_015574.2); c.5635C>T, p.Pro1879Ser (NM_198889.3); short protein forms P1879S, P2017S, P2129S, P2130S.
Identifiers: ClinVar variation 2630807 (VCV002630807.1), dbSNP rs138455716, ClinGen allele CA357213793.